The following is an entry in ClinVar:

ClinVar aggregate classification (germline): Pathogenic (1 of 4 stars; one submission).

Conditions:
Kabuki syndrome. Also called: Kabuki make-up syndrome; NIIKAWA-KUROKI SYNDROME. Identifiers: Orphanet 2322, MedGen C0796004, MONDO:0016512.

Submission:

Labcorp Genetics (formerly Invitae), Labcorp
Classification: Pathogenic for Kabuki syndrome. Last evaluated: 2017-01-10. Review status: criteria provided, single submitter. Criteria: Invitae Variant Classification Sherloc (09022015). Collection method: clinical testing. Allele origin: germline.
Comment: While this particular variant has not been reported in the literature, loss-of-function variants in KMT2D are known to be pathogenic (PMID: 24633898, 22126750). For these reasons, this variant has been classified as Pathogenic. This sequence change inserts 1 nucleotide in exon 19 of the KMT2D mRNA (c.4812dupC), causing a frameshift at codon 1605. This creates a premature translational stop signal (p.Met1605Hisfs*26) and is expected to result in an absent or disrupted protein product.

Literature cited by the submitters: PubMed 24633898; PubMed 22126750.

NM_003482.4(KMT2D):c.4812dup (p.Met1605fs)

Gene: KMT2D (lysine methyltransferase 2D; minus strand). Cytogenetic location: 12q13.12.
Variant type: Duplication.
Coding change: c.4812dup on transcript NM_003482.4 (MANE Select); coding-DNA position 4812, one base duplicated (C; older notation c.4812dupC).
Protein change: p.Met1605fs; shifts the reading frame from methionine 1605.
Molecular consequence: frameshift variant.
Genome position (GRCh38, 1-based): chr12:49,044,895, G duplicated on the plus strand (C on the coding strand, the reverse complement: KMT2D is on the minus strand); the first of 2 consecutive G bases (chr12:49,044,895-49,044,896); duplicating either gives the same sequence. VCF-style (leftmost placement, unchanged base first): chr12-49044894-T-TG. GRCh37 (hg19) VCF-style: chr12-49438677-T-TG.
Other names: c.4812dupC (NM_003482.3); short protein forms M1605fs.
Identifiers: ClinVar variation 463017 (VCV000463017.6), dbSNP rs1555194510, ClinGen allele CA658658146.